The following is an entry in ClinVar:

ClinVar aggregate classification (germline): Uncertain significance (1 of 4 stars; one submission).

Conditions:
D-2-hydroxyglutaric aciduria 2 (D2HGA2). Identifiers: Orphanet 79315, MedGen C3150909, MONDO:0013345, OMIM 613657.

gnomAD v4.1: 17 of 1,612,514 alleles (0.0011%); highest among the groups gnomAD compares: African/African-American, 0.008%; no homozygotes.

Submission:

Labcorp Genetics (formerly Invitae), Labcorp
Classification: Uncertain significance for D-2-hydroxyglutaric aciduria 2. Last evaluated: 2024-01-19. Review status: criteria provided, single submitter. Criteria: Invitae Variant Classification Sherloc (09022015). Collection method: clinical testing. Allele origin: germline.
Comment: This sequence change falls in intron 3 of the IDH2 gene. It does not directly change the encoded amino acid sequence of the IDH2 protein. The frequency data for this variant in the population databases is considered unreliable, as metrics indicate poor data quality at this position in the gnomAD database. This variant has not been reported in the literature in individuals affected with IDH2-related conditions. Algorithms developed to predict the effect of sequence changes on RNA splicing suggest that this variant may create or strengthen a splice site. In summary, the available evidence is currently insufficient to determine the role of this variant in disease. Therefore, it has been classified as a Variant of Uncertain Significance.

NM_002168.4(IDH2):c.373+11G>A

Gene: IDH2 (isocitrate dehydrogenase (NADP(+)) 2; minus strand). Cytogenetic location: 15q26.1.
Variant type: single nucleotide variant.
Coding change: c.373+11G>A on transcript NM_002168.4 (MANE Select); 11 bases into the intron after coding-DNA position 373, G replaced by A.
Molecular consequence: intron variant.
Genome position (GRCh38, 1-based): chr15:90,090,468, C>T on the plus strand (G>A on the coding strand, the complement: IDH2 is on the minus strand). VCF-style: chr15-90090468-C-T. GRCh37 (hg19) VCF-style: chr15-90633700-C-T.
Other names: c.-17-1721G>A (NM_001290114.2); c.217+11G>A (NM_001289910.1).
Identifiers: ClinVar variation 3616279 (VCV003616279.2).